The following is an entry in ClinVar:

ClinVar aggregate classification (germline): Uncertain significance (1 of 4 stars; one submission).

gnomAD v4.1: 4 of 1,542,906 alleles (0.00026%); highest among the groups gnomAD compares: East Asian, 0.01%; no homozygotes.

Submission:

Labcorp Genetics (formerly Invitae), Labcorp
Classification: Uncertain significance. Last evaluated: 2025-12-17. Review status: criteria provided, single submitter. Criteria: Invitae Variant Classification Sherloc (09022015). Collection method: clinical testing. Allele origin: germline.
Comment: This sequence change replaces lysine, which is basic and polar, with threonine, which is neutral and polar, at codon 7 of the ATP2A2 protein (p.Lys7Thr). This variant is present in population databases (rs763744362, gnomAD 0.02%). This variant has not been reported in the literature in individuals affected with ATP2A2-related conditions. Invitae Evidence Modeling of protein sequence and biophysical properties (such as structural, functional, and spatial information, amino acid conservation, physicochemical variation, residue mobility, and thermodynamic stability) has been performed for this missense variant. However, the output from this modeling did not meet the statistical confidence thresholds required to predict the impact of this variant on ATP2A2 protein function. In summary, the available evidence is currently insufficient to determine the role of this variant in disease. Therefore, it has been classified as a Variant of Uncertain Significance.

NM_170665.4(ATP2A2):c.20A>C (p.Lys7Thr)

Gene: ATP2A2 (ATPase sarcoplasmic/endoplasmic reticulum Ca2+ transporting 2; plus strand). Cytogenetic location: 12q24.11.
Variant type: single nucleotide variant.
Coding change: c.20A>C on transcript NM_170665.4 (MANE Select); coding-DNA position 20, A replaced by C.
Protein change: p.Lys7Thr; replaces lysine 7 with threonine.
Molecular consequence: missense variant. On other transcripts: intron variant (1).
Genome position (GRCh38, 1-based): chr12:110,281,809, A>C. VCF-style: chr12-110281809-A-C. GRCh37 (hg19) VCF-style: chr12-110719614-A-C.
Other names: c.20A>C, p.Lys7Thr (NM_001413013.1, NM_001413014.1, NM_001681.4); c.-257-795A>C (NM_001413015.1); short protein forms K7T.
Identifiers: ClinVar variation 4709138 (VCV004709138.1).